The following is an entry in ClinVar:

GRCh37/hg19 3q29(chr3:195756054-197344665)x1

Genes: MELTF (melanotransferrin; minus strand), NCBP2 (nuclear cap binding protein subunit 2; minus strand), SLC51A (solute carrier family 51 member A; plus strand), SMCO1 (single-pass membrane protein with coiled-coil domains 1; minus strand), TFRC (transferrin receptor; minus strand) and 16 more. Cytogenetic location: 3q29.
Variant type: copy number loss.
Change: copy number 1 (one copy instead of two) of chr3:195,756,054-197,344,665 (1.59 Mb, GRCh37 coordinates, 1-based), cytogenetic band 3q29.
Identifiers: ClinVar variation 267260 (VCV000267260.1).

ClinVar aggregate classification (germline): Pathogenic (0 of 4 stars; one submission).

Conditions:
Chromosome 3q29 microdeletion syndrome. Also called: CHROMOSOME 3q29 DELETION SYNDROME; 3q29 Deletion Syndrome; 3q29 microdeletion syndrome; 3q29 Recurrent Microdeletion Syndrome. Identifiers: Orphanet 65286, MedGen C2674949, MONDO:0012269, OMIM 609425.

Submission:

GeneReviews
Classification: Pathogenic for Chromosome 3q29 microdeletion syndrome. Last evaluated: 2016-05-19. Review status: no assertion criteria provided. Collection method: literature only. Allele origin: germline. Affected: yes.
Comment: The 3q29 recurrent deletion is defined a recurrent 1.6 Mb deletion at approximately chr3:195998129-197623129 in reference genome NCBI Build 38.

Literature cited by the submitters: PubMed 18471269; PubMed 25714563; PubMed 19610115; PubMed 26738761; PubMed 19460468.